The following is an entry in ClinVar:

NM_016169.4(SUFU):c.943G>C (p.Gly315Arg)

Gene: SUFU (SUFU negative regulator of hedgehog signaling; plus strand). Cytogenetic location: 10q24.32.
Variant type: single nucleotide variant.
Coding change: c.943G>C on transcript NM_016169.4 (MANE Select); coding-DNA position 943, G replaced by C.
Protein change: p.Gly315Arg; replaces glycine 315 with arginine.
Molecular consequence: missense variant.
Genome position (GRCh38, 1-based): chr10:102,599,465, G>C. VCF-style: chr10-102599465-G-C. GRCh37 (hg19) VCF-style: chr10-104359222-G-C.
Other names: c.943G>C, p.Gly315Arg (NM_001178133.2); short protein forms G315R.
Identifiers: ClinVar variation 823255 (VCV000823255.5), dbSNP rs141737156, ClinGen allele CA377911053.

ClinVar aggregate classification (germline): Uncertain significance (1 of 4 stars; one submission).

Conditions:
Hereditary cancer-predisposing syndrome. Also called: Tumor predisposition; Hereditary Cancer Syndrome; Neoplastic Syndromes, Hereditary; Hereditary neoplastic syndrome. Identifiers: Orphanet 140162, MedGen C0027672, MeSH D009386, MONDO:0015356.

Submission:

Ambry Genetics
Classification: Uncertain significance for Hereditary cancer-predisposing syndrome. Last evaluated: 2024-10-04. Review status: criteria provided, single submitter. Criteria: Ambry Variant Classification Scheme 2023. Collection method: clinical testing. Allele origin: germline.
Comment: The p.G315R variant (also known as c.943G>C), located in coding exon 8 of the SUFU gene, results from a G to C substitution at nucleotide position 943. The glycine at codon 315 is replaced by arginine, an amino acid with dissimilar properties. This amino acid position is highly conserved in available vertebrate species. In addition, this alteration is predicted to be tolerated by in silico analysis. Based on the available evidence, the clinical significance of this variant remains unclear.